The following is an entry in ClinVar:

NM_005006.7(NDUFS1):c.1554-173G>T

Gene: NDUFS1 (NADH:ubiquinone oxidoreductase core subunit S1; minus strand). Cytogenetic location: 2q33.3.
Variant type: single nucleotide variant.
Coding change: c.1554-173G>T on transcript NM_005006.7 (MANE Select); 173 bases into the intron before coding-DNA position 1554, G replaced by T.
Molecular consequence: intron variant.
Genome position (GRCh38, 1-based): chr2:206,130,415, C>A on the plus strand (G>T on the coding strand, the complement: NDUFS1 is on the minus strand). VCF-style: chr2-206130415-C-A. GRCh37 (hg19) VCF-style: chr2-206995139-C-A.
Other names: c.1221-173G>T (NM_001199982.2); c.1383-173G>T (NM_001199983.2); c.1446-173G>T (NM_001199981.2); c.1596-173G>T (NM_001199984.2).
Identifiers: ClinVar variation 683048 (VCV000683048.1), dbSNP rs3770987, ClinGen allele CA11095743.

ClinVar aggregate classification (germline): Benign (1 of 4 stars; one submission).

Allele frequency attached by ClinVar (database versions not stated): 1000 Genomes Project 0.46086; TOPMed 0.48669 and 0.49918; gnomAD 0.49170.
gnomAD v4.1: 75,042 of 151,620 alleles (49%); highest among the groups gnomAD compares: African/African-American, 64%; 19,338 homozygotes.

Submission:

GeneDx
Classification: Benign. Last evaluated: 2018-06-14. Review status: criteria provided, single submitter. Criteria: GeneDx Variant Classification (06012015). Collection method: clinical testing. Allele origin: germline. Affected: yes.
Comment: This variant is considered likely benign or benign based on one or more of the following criteria: it is a conservative change, it occurs at a poorly conserved position in the protein, it is predicted to be benign by multiple in silico algorithms, and/or has population frequency not consistent with disease.